The following is an entry in ClinVar:

ClinVar aggregate classification (germline): Conflicting classifications of pathogenicity. Review status: criteria provided, conflicting classifications (1 of 4 stars). 2 submissions from 2 submitters: Uncertain significance (1); Likely benign (1). Last evaluated 2025-05-15.

Conditions:
Hereditary breast ovarian cancer syndrome. Also called: Hereditary breast and ovarian cancer; Hereditary breast and ovarian cancer syndrome (HBOC); BRCA1- and BRCA2-Associated Hereditary Breast and Ovarian Cancer; Hereditary breast and ovarian cancer syndrome; Hereditary breast and/or ovarian cancer syndrome; Breast and ovarian cancer. Identifiers: Orphanet 145, MedGen C0677776, MeSH D061325, MONDO:0003582. Disease mechanism: loss of function.
Hereditary cancer-predisposing syndrome. Also called: Hereditary Cancer Syndrome; Tumor predisposition; Hereditary neoplastic syndrome; Neoplastic Syndromes, Hereditary. Identifiers: Orphanet 140162, MedGen C0027672, MeSH D009386, MONDO:0015356.

gnomAD v4.1: 1 of 1,614,018 alleles (0.000062%); highest among the groups gnomAD compares: Non-Finnish European, 0.000085%; no homozygotes.

Submissions (2):

Ambry Genetics
Classification: Likely benign for Hereditary cancer-predisposing syndrome. Last evaluated: 2025-05-15. Review status: criteria provided, single submitter. Criteria: Ambry Variant Classification Scheme 2023. Collection method: clinical testing. Allele origin: germline.

Labcorp Genetics (formerly Invitae), Labcorp
Classification: Uncertain significance for Hereditary breast ovarian cancer syndrome. Last evaluated: 2024-03-16. Review status: criteria provided, single submitter. Criteria: Invitae Variant Classification Sherloc (09022015). Collection method: clinical testing. Allele origin: germline.
Comment: This sequence change replaces glycine, which is neutral and non-polar, with alanine, which is neutral and non-polar, at codon 2837 of the BRCA2 protein (p.Gly2837Ala). This variant is not present in population databases (gnomAD no frequency). This variant has not been reported in the literature in individuals affected with BRCA2-related conditions. Advanced modeling of protein sequence and biophysical properties (such as structural, functional, and spatial information, amino acid conservation, physicochemical variation, residue mobility, and thermodynamic stability) has been performed at Invitae for this missense variant, however the output from this modeling did not meet the statistical confidence thresholds required to predict the impact of this variant on BRCA2 protein function. In summary, the available evidence is currently insufficient to determine the role of this variant in disease. Therefore, it has been classified as a Variant of Uncertain Significance.

NM_000059.4(BRCA2):c.8510G>C (p.Gly2837Ala)

Gene: BRCA2 (BRCA2 DNA repair associated; plus strand). Cytogenetic location: 13q13.1.
Variant type: single nucleotide variant.
Coding change: c.8510G>C on transcript NM_000059.4 (MANE Select); coding-DNA position 8510, G replaced by C.
Protein change: p.Gly2837Ala; replaces glycine 2837 with alanine.
Molecular consequence: missense variant. On other transcripts: non-coding transcript variant (1).
Genome position (GRCh38, 1-based): chr13:32,370,978, G>C. VCF-style: chr13-32370978-G-C. GRCh37 (hg19) VCF-style: chr13-32945115-G-C.
Other names: c.8414G>C, p.Gly2805Ala (NM_001406719.1); c.8510G>C, p.Gly2837Ala (NM_001406720.1); c.3578G>C, p.Gly1193Ala (NM_001406721.1); c.2093G>C, p.Gly698Ala (NM_001406722.1); short protein forms G1193A, G698A, G2805A, G2837A.
Identifiers: ClinVar variation 3261560 (VCV003261560.4).